The following is an entry in ClinVar:

ClinVar aggregate classification (germline): Likely benign (1 of 4 stars; one submission).

Conditions:
CYBB-related disorder. Also called: CYBB-related condition.

gnomAD v4.1: 19 of 1,039,883 alleles (0.0018%); highest among the groups gnomAD compares: African/African-American, 0.03%; no homozygotes.

Submission:

PreventionGenetics, part of Exact Sciences
Classification: Likely benign for CYBB-related condition. Last evaluated: 2025-08-04. Review status: criteria provided, single submitter. Criteria: ACMG Guidelines, 2015. Collection method: clinical testing. Allele origin: germline.
Comment: This variant is classified as likely benign based on ACMG/AMP sequence variant interpretation guidelines (Richards et al. 2015 PMID: 25741868, with internal and published modifications).

NM_000397.4(CYBB):c.1586+78T>C

Gene: CYBB (cytochrome b-245 beta chain; plus strand). Cytogenetic location: Xp11.4.
Variant type: single nucleotide variant.
Coding change: c.1586+78T>C on transcript NM_000397.4 (MANE Select); 78 bases into the intron after coding-DNA position 1586, T replaced by C.
Molecular consequence: intron variant.
Genome position (GRCh38, 1-based): chrX:37,809,769, T>C. VCF-style: chrX-37809769-T-C. GRCh37 (hg19) VCF-style: chrX-37669022-T-C.
Identifiers: ClinVar variation 4986865 (VCV004986865.1).